The following is an entry in ClinVar:

ClinVar aggregate classification (germline): Uncertain significance (1 of 4 stars; one submission).

gnomAD v4.1: 1 of 1,548,990 alleles (0.000065%); highest among the groups gnomAD compares: Non-Finnish European, 0.000087%; no homozygotes.

Submission:

Labcorp Genetics (formerly Invitae), Labcorp
Classification: Uncertain significance. Last evaluated: 2022-10-13. Review status: criteria provided, single submitter. Criteria: Invitae Variant Classification Sherloc (09022015). Collection method: clinical testing. Allele origin: germline.
Comment: Algorithms developed to predict the effect of missense changes on protein structure and function (SIFT, PolyPhen-2, Align-GVGD) all suggest that this variant is likely to be tolerated. This variant has not been reported in the literature in individuals affected with EYS-related conditions. This variant is not present in population databases (gnomAD no frequency). This sequence change replaces lysine, which is basic and polar, with glutamine, which is neutral and polar, at codon 1277 of the EYS protein (p.Lys1277Gln). In summary, the available evidence is currently insufficient to determine the role of this variant in disease. Therefore, it has been classified as a Variant of Uncertain Significance.

NM_001142800.2(EYS):c.3829A>C (p.Lys1277Gln)

Gene: EYS (EGF-like photoreceptor maintenance factor; minus strand). Cytogenetic location: 6q12.
Variant type: single nucleotide variant.
Coding change: c.3829A>C on transcript NM_001142800.2 (MANE Select); coding-DNA position 3829, A replaced by C.
Protein change: p.Lys1277Gln; replaces lysine 1277 with glutamine.
Molecular consequence: missense variant.
Genome position (GRCh38, 1-based): chr6:64,593,165, T>G on the plus strand (A>C on the coding strand, the complement: EYS is on the minus strand). VCF-style: chr6-64593165-T-G. GRCh37 (hg19) VCF-style: chr6-65303058-T-G.
Other names: c.3829A>C, p.Lys1277Gln (NM_001292009.2); short protein forms K1277Q.
Identifiers: ClinVar variation 1967022 (VCV001967022.5), dbSNP rs1349245516, ClinGen allele CA364784639.